The following is an entry in ClinVar:

NM_001267550.2(TTN):c.15775+22C>T

Gene: TTN (titin; minus strand). Cytogenetic location: 2q31.2.
Variant type: single nucleotide variant.
Coding change: c.15775+22C>T on transcript NM_001267550.2 (MANE Select); 22 bases into the intron after coding-DNA position 15775, C replaced by T.
Molecular consequence: intron variant.
Genome position (GRCh38, 1-based): chr2:178,733,592, G>A on the plus strand (C>T on the coding strand, the complement: TTN is on the minus strand). VCF-style: chr2-178733592-G-A. GRCh37 (hg19) VCF-style: chr2-179598319-G-A.
Other names: c.13282+4490C>T (NM_003319.4); c.13858+4490C>T (NM_133437.4); c.13657+4490C>T (NM_133432.3); c.12043+22C>T (NM_133378.4); c.14824+22C>T (NM_001256850.1).
Identifiers: ClinVar variation 671496 (VCV000671496.2), dbSNP rs67039990, ClinGen allele CA2002165.

ClinVar aggregate classification (germline): Likely benign. Review status: criteria provided, multiple submitters, no conflicts (2 of 4 stars). 2 submissions from 2 submitters: Likely benign (2). Last evaluated 2018-06-14.

Allele frequency attached by ClinVar (database versions not stated): gnomAD exomes 0.00141 and 0.00341; ExAC 0.00433; gnomAD 0.01405 and 0.01507; ESP Exome Variant Server 0.01421; 1000 Genomes Project 0.01558; 1000 Genomes Project 30x 0.01593; TOPMed 0.01642.
gnomAD v4.1: 4,240 of 1,598,842 alleles (0.27%); highest among the groups gnomAD compares: African/African-American, 4.9%; 96 homozygotes.

Submissions (2):

GeneDx
Classification: Likely benign. Last evaluated: 2018-06-14. Review status: criteria provided, single submitter. Criteria: GeneDx Variant Classification (06012015). Collection method: clinical testing. Allele origin: germline. Affected: yes.
Comment: This variant is considered likely benign or benign based on one or more of the following criteria: it is a conservative change, it occurs at a poorly conserved position in the protein, it is predicted to be benign by multiple in silico algorithms, and/or has population frequency not consistent with disease.

Breakthrough Genomics
Classification: Likely benign. Review status: criteria provided, single submitter. Criteria: ACMG Guidelines, 2015. Collection method: not provided. Allele origin: germline. Inheritance: Autosomal recessive inheritance. Affected: yes.